The following is an entry in ClinVar:

NM_002047.4(GARS1):c.1042A>G (p.Met348Val)

Gene: GARS1 (glycyl-tRNA synthetase 1; plus strand). Cytogenetic location: 7p14.3.
Variant type: single nucleotide variant.
Coding change: c.1042A>G on transcript NM_002047.4 (MANE Select); coding-DNA position 1042, A replaced by G.
Protein change: p.Met348Val; replaces methionine 348 with valine.
Molecular consequence: missense variant.
Genome position (GRCh38, 1-based): chr7:30,615,906, A>G. VCF-style: chr7-30615906-A-G. GRCh37 (hg19) VCF-style: chr7-30655522-A-G.
Other names: c.880A>G, p.Met294Val (NM_001316772.1); short protein forms M294V, M348V.
Identifiers: ClinVar variation 1680923 (VCV001680923.8), dbSNP rs368832379, ClinGen allele CA4205887.

ClinVar aggregate classification (germline): Uncertain significance (1 of 4 stars; one submission).

Conditions:
Charcot-Marie-Tooth disease type 2. Also called: Charcot-Marie-Tooth type 2. Identifiers: Orphanet 64746, MedGen C0270914, MONDO:0018993.

Allele frequency attached by ClinVar (database versions not stated): gnomAD exomes 0.00002; ExAC 0.00001; TOPMed 0.00002; ESP Exome Variant Server 0.00008; gnomAD 0.00001.
gnomAD v4.1: 33 of 1,614,210 alleles (0.002%); highest among the groups gnomAD compares: East Asian, 0.0045%; no homozygotes.

Submission:

Labcorp Genetics (formerly Invitae), Labcorp
Classification: Uncertain significance for Charcot-Marie-Tooth disease type 2. Last evaluated: 2024-04-16. Review status: criteria provided, single submitter. Criteria: Invitae Variant Classification Sherloc (09022015). Collection method: clinical testing. Allele origin: germline.
Comment: This sequence change replaces methionine, which is neutral and non-polar, with valine, which is neutral and non-polar, at codon 348 of the GARS protein (p.Met348Val). This variant is present in population databases (rs368832379, gnomAD 0.01%). This variant has not been reported in the literature in individuals affected with GARS-related conditions. ClinVar contains an entry for this variant (Variation ID: 1680923). Advanced modeling of protein sequence and biophysical properties (such as structural, functional, and spatial information, amino acid conservation, physicochemical variation, residue mobility, and thermodynamic stability) performed at Invitae indicates that this missense variant is not expected to disrupt GARS protein function with a negative predictive value of 80%. In summary, the available evidence is currently insufficient to determine the role of this variant in disease. Therefore, it has been classified as a Variant of Uncertain Significance.